The following is an entry in ClinVar:

NM_000051.4(ATM):c.3236C>T (p.Ala1079Val)

Gene: ATM (ATM serine/threonine kinase; plus strand). Cytogenetic location: 11q22.3.
Variant type: single nucleotide variant.
Coding change: c.3236C>T on transcript NM_000051.4 (MANE Select); coding-DNA position 3236, C replaced by T.
Protein change: p.Ala1079Val; replaces alanine 1079 with valine.
Molecular consequence: missense variant.
Genome position (GRCh38, 1-based): chr11:108,272,804, C>T. VCF-style: chr11-108272804-C-T. GRCh37 (hg19) VCF-style: chr11-108143531-C-T.
Other names: c.3236C>T, p.Ala1079Val (NM_001351834.2); short protein forms A1079V.
Identifiers: ClinVar variation 1729243 (VCV001729243.2), dbSNP rs778233602, ClinGen allele CA382515964.
Genomic context (GRCh38, chr11:108,272,804, plus strand): 5'-CCATTCTTAATGTAATGGGAAAAGACTTTCCTGTAAATGAAGTATTTACACAATTTCTTG[C>T]TGACAATCATCACCAAGTTCGCATGTTGGCTGCAGAGTCAATCAATAGGTAATGGGTCAA-3'
Protein context (NP_000042.3, residues 1069-1089): PVNEVFTQFL[Ala1079Val]DNHHQVRMLA

ClinVar aggregate classification (germline): Uncertain significance (1 of 4 stars; one submission).

Conditions:
Hereditary cancer-predisposing syndrome. Also called: Tumor predisposition; Neoplastic Syndromes, Hereditary; Hereditary Cancer Syndrome; Hereditary neoplastic syndrome. Identifiers: Orphanet 140162, MedGen C0027672, MeSH D009386, MONDO:0015356.

gnomAD v4.1: 3 of 1,614,026 alleles (0.00019%); highest among the groups gnomAD compares: Non-Finnish European, 0.00017%; no homozygotes.

Submission:

Ambry Genetics
Classification: Uncertain significance for Hereditary cancer-predisposing syndrome. Last evaluated: 2020-02-10. Review status: criteria provided, single submitter. Criteria: Ambry Variant Classification Scheme 2023. Collection method: clinical testing. Allele origin: germline.
Comment: The p.A1079V variant (also known as c.3236C>T), located in coding exon 21 of the ATM gene, results from a C to T substitution at nucleotide position 3236. The alanine at codon 1079 is replaced by valine, an amino acid with similar properties. This amino acid position is highly conserved in available vertebrate species. In addition, the in silico prediction for this alteration is inconclusive. Since supporting evidence is limited at this time, the clinical significance of this alteration remains unclear.